The following is an entry in ClinVar:

NM_002076.4(GNS):c.223G>A (p.Gly75Arg)

Gene: GNS (glucosamine (N-acetyl)-6-sulfatase; minus strand). Cytogenetic location: 12q14.3.
Variant type: single nucleotide variant.
Coding change: c.223G>A on transcript NM_002076.4 (MANE Select); coding-DNA position 223, G replaced by A.
Protein change: p.Gly75Arg; replaces glycine 75 with arginine.
Molecular consequence: missense variant.
Genome position (GRCh38, 1-based): chr12:64,752,727, C>T on the plus strand (G>A on the coding strand, the complement: GNS is on the minus strand). VCF-style: chr12-64752727-C-T. GRCh37 (hg19) VCF-style: chr12-65146507-C-T.
Other names: c.223G>A (NM_002076.3); short protein forms G75R.
Identifiers: ClinVar variation 1441162 (VCV001441162.4), dbSNP rs371990029, ClinGen allele CA6670006.

ClinVar aggregate classification (germline): Uncertain significance. Review status: criteria provided, multiple submitters, no conflicts (2 of 4 stars). 2 submissions from 2 submitters: Uncertain significance (2). Last evaluated 2023-12-15.

Conditions:
Mucopolysaccharidosis, MPS-III-D (MPS3D). Also called: N-ACETYLGLUCOSAMINE-6-SULFATASE DEFICIENCY; SANFILIPPO SYNDROME D; MPS III D; Mucopoly-saccharidosis type 3D; N-acetylglucosamine-6-sulfate sulfatase deficiency; MPS 3D. Identifiers: Orphanet 581, Orphanet 79272, MedGen C0086650, MONDO:0009658, OMIM 252940.

Allele frequency attached by ClinVar (database versions not stated): ESP Exome Variant Server 0.00008; TOPMed 0.00005; gnomAD 0.00008.
gnomAD v4.1: 72 of 1,535,484 alleles (0.0047%); highest among the groups gnomAD compares: Middle Eastern, 0.035%; no homozygotes.

Submissions (2):

GeneDx
Classification: Uncertain significance. Last evaluated: 2023-12-15. Review status: criteria provided, single submitter. Criteria: GeneDx Variant Classification Process June 2021. Collection method: clinical testing. Allele origin: germline. Affected: yes.
Comment: Not observed at significant frequency in large population cohorts (gnomAD); In silico analysis supports that this missense variant has a deleterious effect on protein structure/function; Has not been previously published as pathogenic or benign to our knowledge

Labcorp Genetics (formerly Invitae), Labcorp
Classification: Uncertain significance for Mucopolysaccharidosis, MPS-III-D. Last evaluated: 2022-11-01. Review status: criteria provided, single submitter. Criteria: Invitae Variant Classification Sherloc (09022015). Collection method: clinical testing. Allele origin: germline.
Comment: This sequence change replaces glycine, which is neutral and non-polar, with arginine, which is basic and polar, at codon 75 of the GNS protein (p.Gly75Arg). This variant is present in population databases (rs371990029, gnomAD 0.006%). This variant has not been reported in the literature in individuals affected with GNS-related conditions. ClinVar contains an entry for this variant (Variation ID: 1441162). Algorithms developed to predict the effect of missense changes on protein structure and function (SIFT, PolyPhen-2, Align-GVGD) all suggest that this variant is likely to be disruptive. In summary, the available evidence is currently insufficient to determine the role of this variant in disease. Therefore, it has been classified as a Variant of Uncertain Significance.